The following is an entry in ClinVar:

NM_001377.3(DYNC2H1):c.8309A>G (p.Tyr2770Cys)

Gene: DYNC2H1 (dynein cytoplasmic 2 heavy chain 1; plus strand). Cytogenetic location: 11q22.3.
Variant type: single nucleotide variant.
Coding change: c.8309A>G on transcript NM_001377.3 (MANE Select); coding-DNA position 8309, A replaced by G.
Protein change: p.Tyr2770Cys; replaces tyrosine 2770 with cysteine.
Molecular consequence: missense variant.
Genome position (GRCh38, 1-based): chr11:103,203,774, A>G. VCF-style: chr11-103203774-A-G. GRCh37 (hg19) VCF-style: chr11-103074503-A-G.
Other names: c.8309A>G (NM_001080463.1); c.8309A>G, p.Tyr2770Cys (NM_001080463.2); short protein forms Y2770C.
Identifiers: ClinVar variation 2056321 (VCV002056321.3), dbSNP rs775009595, ClinGen allele CA6254428.

ClinVar aggregate classification (germline): Uncertain significance. Review status: criteria provided, multiple submitters, no conflicts (2 of 4 stars). 3 submissions from 3 submitters: Uncertain significance (3). Last evaluated 2025-08-06.

Conditions:
DYNC2H1-related disorder. Also called: DYNC2H1-related disorders; DYNC2H1-related condition. Identifiers: MedGen CN378770.
Jeune thoracic dystrophy. Also called: Jeune syndrome; Infantile thoracic dystrophy; Thoracic pelvic phalangeal dystrophy; Jeune's syndrome; Chondroectodermal dysplasia-like syndrome; Short-rib thoracic dysplasia. Identifiers: Orphanet 474, MedGen C0265275, MONDO:0018770.
Inborn genetic diseases. Identifiers: MedGen C0950123, MeSH D030342.

Allele frequency attached by ClinVar (database versions not stated): gnomAD exomes below 0.00001; TOPMed below 0.00001; ExAC 0.00002.
gnomAD v4.1: 12 of 1,576,216 alleles (0.00076%); highest among the groups gnomAD compares: East Asian, 0.0022%; 1 homozygote.

Submissions (3):

Ambry Genetics
Classification: Uncertain significance for Inborn genetic diseases. Last evaluated: 2025-08-06. Review status: criteria provided, single submitter. Criteria: Ambry Variant Classification Scheme 2023. Collection method: clinical testing. Allele origin: germline.

PreventionGenetics, part of Exact Sciences
Classification: Uncertain significance for DYNC2H1-related condition. Last evaluated: 2025-07-10. Review status: criteria provided, single submitter. Criteria: ACMG Guidelines, 2015. Collection method: clinical testing. Allele origin: germline.
Comment: The DYNC2H1 c.8309A>G variant is predicted to result in the amino acid substitution p.Tyr2770Cys. To our knowledge, this variant has not been reported in the literature. This variant is reported in 0.0058% of alleles in individuals of East Asian descent in gnomAD. At this time, the clinical significance of this variant is uncertain due to the absence of conclusive functional and genetic evidence.

Labcorp Genetics (formerly Invitae), Labcorp
Classification: Uncertain significance for Jeune thoracic dystrophy. Last evaluated: 2022-04-09. Review status: criteria provided, single submitter. Criteria: Invitae Variant Classification Sherloc (09022015). Collection method: clinical testing. Allele origin: germline.
Comment: This sequence change replaces tyrosine, which is neutral and polar, with cysteine, which is neutral and slightly polar, at codon 2770 of the DYNC2H1 protein (p.Tyr2770Cys). This variant is present in population databases (rs775009595, gnomAD 0.006%). This variant has not been reported in the literature in individuals affected with DYNC2H1-related conditions. Algorithms developed to predict the effect of missense changes on protein structure and function are either unavailable or do not agree on the potential impact of this missense change (SIFT: "Deleterious"; PolyPhen-2: "Possibly Damaging"; Align-GVGD: "Class C0"). In summary, the available evidence is currently insufficient to determine the role of this variant in disease. Therefore, it has been classified as a Variant of Uncertain Significance.